The following is an entry in ClinVar:

ClinVar aggregate classification (germline): Uncertain significance. Review status: criteria provided, multiple submitters, no conflicts (2 of 4 stars). 2 submissions from 2 submitters: Uncertain significance (2). Last evaluated 2025-04-17.

Conditions:
Hereditary cancer-predisposing syndrome. Also called: Hereditary neoplastic syndrome; Tumor predisposition; Hereditary Cancer Syndrome; Neoplastic Syndromes, Hereditary. Identifiers: Orphanet 140162, MedGen C0027672, MeSH D009386, MONDO:0015356.
Familial cancer of breast. Also called: BREAST CANCER, FAMILIAL; hereditary breast carcinoma; Hereditary breast cancer. Identifiers: Orphanet 227535, MedGen C0346153, MONDO:0016419, OMIM 114480. Disease mechanism: loss of function.

Allele frequency attached by ClinVar (database versions not stated): gnomAD exomes below 0.00001.
gnomAD v4.1: 1 of 1,614,130 alleles (0.000062%); highest among the groups gnomAD compares: East Asian, 0.0022%; no homozygotes.

Submissions (2):

Labcorp Genetics (formerly Invitae), Labcorp
Classification: Uncertain significance for Familial cancer of breast. Last evaluated: 2025-04-17. Review status: criteria provided, single submitter. Criteria: Invitae Variant Classification Sherloc (09022015). Collection method: clinical testing. Allele origin: germline.
Comment: This sequence change replaces arginine, which is basic and polar, with lysine, which is basic and polar, at codon 335 of the BARD1 protein (p.Arg335Lys). This variant is not present in population databases (gnomAD no frequency). This variant has not been reported in the literature in individuals affected with BARD1-related conditions. ClinVar contains an entry for this variant (Variation ID: 2585705). An algorithm developed to predict the effect of missense changes on protein structure and function outputs the following: PolyPhen-2: "Benign". The lysine amino acid residue is found in multiple mammalian species, which suggests that this missense change does not adversely affect protein function. In summary, the available evidence is currently insufficient to determine the role of this variant in disease. Therefore, it has been classified as a Variant of Uncertain Significance.

Ambry Genetics
Classification: Uncertain significance for Hereditary cancer-predisposing syndrome. Last evaluated: 2023-07-08. Review status: criteria provided, single submitter. Criteria: Ambry Variant Classification Scheme 2023. Collection method: clinical testing. Allele origin: germline.
Comment: The p.R335K variant (also known as c.1004G>A), located in coding exon 4 of the BARD1 gene, results from a G to A substitution at nucleotide position 1004. The arginine at codon 335 is replaced by lysine, an amino acid with highly similar properties. This amino acid position is conserved. In addition, this alteration is predicted to be tolerated by in silico analysis. Since supporting evidence is limited at this time, the clinical significance of this alteration remains unclear.

NM_000465.4(BARD1):c.1004G>A (p.Arg335Lys)

Gene: BARD1 (BRCA1 associated RING domain 1; minus strand). Cytogenetic location: 2q35.
Variant type: single nucleotide variant.
Coding change: c.1004G>A on transcript NM_000465.4 (MANE Select); coding-DNA position 1004, G replaced by A.
Protein change: p.Arg335Lys; replaces arginine 335 with lysine.
Molecular consequence: missense variant. On other transcripts: non-coding transcript variant (2), intron variant (3).
Genome position (GRCh38, 1-based): chr2:214,780,870, C>T on the plus strand (G>A on the coding strand, the complement: BARD1 is on the minus strand). VCF-style: chr2-214780870-C-T. GRCh37 (hg19) VCF-style: chr2-215645594-C-T.
Other names: c.947G>A, p.Arg316Lys (NM_001282543.2); c.159-28315G>A (NM_001282548.2); c.215+16191G>A (NM_001282545.2); c.364+11427G>A (NM_001282549.2); short protein forms R335K, R316K.
Identifiers: ClinVar variation 2585705 (VCV002585705.3), dbSNP rs2469505399, ClinGen allele CA350454415.
Genomic context (GRCh38, chr2:214,780,870, plus strand): 5'-TCTGAGGGCACCGTTTGCTTAACAAAATCTCCACTGGTGCTCAGAATGCTGGTTCTACAT[C>T]TCTTAGAAATGGGACTGGAAAGTCTATTGTGATGGCCACGTTTTCCATTATTTTCTAATG-3'
Protein context (NP_000456.2, residues 325-345): HNRLSSPISK[Arg335Lys]CRTSILSTSG